The following is an entry in ClinVar:

NM_001368882.1(COL13A1):c.2057G>A (p.Arg686Gln)

Gene: COL13A1 (collagen type XIII alpha 1 chain; plus strand). Cytogenetic location: 10q22.1.
Variant type: single nucleotide variant.
Coding change: c.2057G>A on transcript NM_001368882.1 (MANE Select); coding-DNA position 2057, G replaced by A.
Protein change: p.Arg686Gln; replaces arginine 686 with glutamine.
Molecular consequence: missense variant.
Genome position (GRCh38, 1-based): chr10:69,947,341, G>A. VCF-style: chr10-69947341-G-A. GRCh37 (hg19) VCF-style: chr10-71707097-G-A.
Other names: c.2024G>A, p.Arg675Gln (NM_001130103.2); c.1913G>A, p.Arg638Gln (NM_001320951.2); c.1934G>A, p.Arg645Gln (NM_001368883.1); c.1871G>A, p.Arg624Gln (NM_001368884.1); c.1835G>A, p.Arg612Gln (NM_001368885.1); c.1313G>A, p.Arg438Gln (NM_001368886.1); c.1844G>A, p.Arg615Gln (NM_001368895.1); c.1766G>A, p.Arg589Gln (NM_001368896.1); and 7 more; short protein forms R438Q, R586Q, R589Q, R597Q, R603Q, R606Q, R612Q, R615Q.
Identifiers: ClinVar variation 2427835 (VCV002427835.3), dbSNP rs375232381, ClinGen allele CA5535074.

ClinVar aggregate classification (germline): Uncertain significance (1 of 4 stars; one submission).

Allele frequency attached by ClinVar (database versions not stated): gnomAD 0.00001; gnomAD exomes 0.00002; ExAC 0.00003; ESP Exome Variant Server 0.00008.
gnomAD v4.1: 25 of 1,612,286 alleles (0.0016%); highest among the groups gnomAD compares: East Asian, 0.0067%; no homozygotes.

Submission:

Labcorp Genetics (formerly Invitae), Labcorp
Classification: Uncertain significance. Last evaluated: 2022-07-26. Review status: criteria provided, single submitter. Criteria: Invitae Variant Classification Sherloc (09022015). Collection method: clinical testing. Allele origin: germline.
Comment: This sequence change replaces arginine, which is basic and polar, with glutamine, which is neutral and polar, at codon 675 of the COL13A1 protein (p.Arg675Gln). This variant is present in population databases (rs375232381, gnomAD 0.02%). This variant has not been reported in the literature in individuals affected with COL13A1-related conditions. Algorithms developed to predict the effect of missense changes on protein structure and function (SIFT, PolyPhen-2, Align-GVGD) all suggest that this variant is likely to be disruptive. In summary, the available evidence is currently insufficient to determine the role of this variant in disease. Therefore, it has been classified as a Variant of Uncertain Significance.